The following is an entry in ClinVar:

ClinVar aggregate classification (germline): Uncertain significance (1 of 4 stars; one submission).

Submission:

Labcorp Genetics (formerly Invitae), Labcorp
Classification: Uncertain significance. Last evaluated: 2021-08-03. Review status: criteria provided, single submitter. Criteria: Invitae Variant Classification Sherloc (09022015). Collection method: clinical testing. Allele origin: germline.
Comment: In summary, the available evidence is currently insufficient to determine the role of this variant in disease. Therefore, it has been classified as a Variant of Uncertain Significance. Algorithms developed to predict the effect of missense changes on protein structure and function are either unavailable or do not agree on the potential impact of this missense change (SIFT: "Deleterious"; PolyPhen-2: "Probably Damaging"; Align-GVGD: "Class C0"). This variant has not been reported in the literature in individuals affected with SLC12A6-related conditions. This variant is not present in population databases (ExAC no frequency). This sequence change replaces alanine with valine at codon 242 of the SLC12A6 protein (p.Ala242Val). The alanine residue is highly conserved and there is a small physicochemical difference between alanine and valine.

NM_001365088.1(SLC12A6):c.725C>T (p.Ala242Val)

Gene: SLC12A6 (solute carrier family 12 member 6; minus strand). Cytogenetic location: 15q14.
Variant type: single nucleotide variant.
Coding change: c.725C>T on transcript NM_001365088.1 (MANE Select); coding-DNA position 725, C replaced by T.
Protein change: p.Ala242Val; replaces alanine 242 with valine.
Molecular consequence: missense variant.
Genome position (GRCh38, 1-based): chr15:34,256,249, G>A on the plus strand (C>T on the coding strand, the complement: SLC12A6 is on the minus strand). VCF-style: chr15-34256249-G-A. GRCh37 (hg19) VCF-style: chr15-34548450-G-A.
Other names: c.548C>T, p.Ala183Val (NM_001042494.2, NM_001042495.2); c.698C>T, p.Ala233Val (NM_001042496.2); c.680C>T, p.Ala227Val (NM_001042497.2); c.572C>T, p.Ala191Val (NM_005135.2); c.725C>T, p.Ala242Val (NM_133647.2); short protein forms A183V, A233V, A242V, A191V, A227V.
Identifiers: ClinVar variation 1385501 (VCV001385501.6), dbSNP rs2140734739, ClinGen allele CA391611324.